The following is an entry in ClinVar:

NM_000057.4(BLM):c.324G>T (p.Leu108Phe)

Gene: BLM (BLM RecQ like helicase; plus strand). Cytogenetic location: 15q26.1.
Variant type: single nucleotide variant.
Coding change: c.324G>T on transcript NM_000057.4 (MANE Select); coding-DNA position 324, G replaced by T.
Protein change: p.Leu108Phe; replaces leucine 108 with phenylalanine.
Molecular consequence: missense variant. On other transcripts: 5 prime UTR variant (1).
Genome position (GRCh38, 1-based): chr15:90,749,592, G>T. VCF-style: chr15-90749592-G-T. GRCh37 (hg19) VCF-style: chr15-91292822-G-T.
Other names: c.324G>T (NM_000057.2); c.324G>T, p.Leu108Phe (NM_001287246.2, NM_001287247.2); c.-968G>T (NM_001287248.2); short protein forms L108F.
Identifiers: ClinVar variation 854279 (VCV000854279.15), dbSNP rs1198433222, ClinGen allele CA393840280.

ClinVar aggregate classification (germline): Uncertain significance. Review status: criteria provided, multiple submitters, no conflicts (2 of 4 stars). 4 submissions from 4 submitters: Uncertain significance (3). 1 of the submissions does not count toward it. Last evaluated 2026-05-14.

Conditions:
Hereditary cancer-predisposing syndrome. Also called: Tumor predisposition; Neoplastic Syndromes, Hereditary; Hereditary neoplastic syndrome; Hereditary Cancer Syndrome. Identifiers: Orphanet 140162, MedGen C0027672, MeSH D009386, MONDO:0015356.
Bloom syndrome (BLM). Also called: Bloom-Torre-Machacek syndrome. Identifiers: Orphanet 125, MedGen C0005859, MONDO:0008876, OMIM 210900.

Allele frequency attached by ClinVar (database versions not stated): TOPMed below 0.00001.

Submissions (4):

Ambry Genetics
Classification: Uncertain significance for Hereditary cancer-predisposing syndrome. Last evaluated: 2026-05-14. Review status: criteria provided, single submitter. Criteria: Ambry Variant Classification Scheme 2023. Collection method: clinical testing. Allele origin: germline.
Comment: The p.L108F variant (also known as c.324G>T), located in coding exon 2 of the BLM gene, results from a G to T substitution at nucleotide position 324. The leucine at codon 108 is replaced by phenylalanine, an amino acid with highly similar properties. This amino acid position is conserved. In addition, this alteration is predicted to be tolerated by in silico analysis. Based on the available evidence, the clinical significance of this variant remains unclear.

Labcorp Genetics (formerly Invitae), Labcorp
Classification: Uncertain significance for Bloom syndrome. Last evaluated: 2025-08-21. Review status: criteria provided, single submitter. Criteria: Invitae Variant Classification Sherloc (09022015). Collection method: clinical testing. Allele origin: germline.
Comment: This sequence change replaces leucine, which is neutral and non-polar, with phenylalanine, which is neutral and non-polar, at codon 108 of the BLM protein (p.Leu108Phe). This variant is not present in population databases (gnomAD no frequency). This variant has not been reported in the literature in individuals affected with BLM-related conditions. ClinVar contains an entry for this variant (Variation ID: 854279). An algorithm developed to predict the effect of missense changes on protein structure and function (PolyPhen-2) suggests that this variant is likely to be disruptive. In summary, the available evidence is currently insufficient to determine the role of this variant in disease. Therefore, it has been classified as a Variant of Uncertain Significance.

Quest Diagnostics Nichols Institute San Juan Capistrano
Classification: Uncertain significance. Last evaluated: 2024-04-17. Review status: criteria provided, single submitter. Criteria: Quest Diagnostics criteria. Collection method: clinical testing. Allele origin: unknown.
Comment: The BLM c.324G>T (p.Leu108Phe) variant has not been reported in individuals with BLM-related conditions in the published literature. It also has not been reported in large, multi-ethnic general populations (Genome Aggregation Database). Analysis of this variant using bioinformatics tools for the prediction of the effect of amino acid changes on protein structure and function yielded conflicting predictions that this variant is benign or damaging. Based on the available information, we are unable to determine the clinical significance of this variant.

Natera, Inc.
Classification: Uncertain significance for Bloom syndrome. Last evaluated: 2021-10-10. Review status: no assertion criteria provided. Collection method: clinical testing. Allele origin: germline. Not counted in ClinVar's aggregate classification.